The following is an entry in ClinVar:

NM_004260.4(RECQL4):c.85-17A>G

Genes: RECQL4 (RecQ like helicase 4; minus strand), LOC130001411 (ATAC-STARR-seq lymphoblastoid silent region 19699; plus strand). Cytogenetic location: 8q24.3.
Variant type: single nucleotide variant.
Coding change: c.85-17A>G on transcript NM_004260.4 (MANE Select); 17 bases into the intron before coding-DNA position 85, A replaced by G.
Molecular consequence: intron variant. On other transcripts: 5 prime UTR variant (14).
Genome position (GRCh38, 1-based): chr8:144,517,652, T>C on the plus strand (A>G on the coding strand, the complement: RECQL4 is on the minus strand). VCF-style: chr8-144517652-T-C. GRCh37 (hg19) VCF-style: chr8-145743036-T-C.
Other names: c.-653A>G (NM_001413021.1); c.-1004A>G (NM_001413022.1, NM_001413023.1, NM_001413037.1 and 2 more transcripts); c.-901A>G (NM_001413024.1); c.-729A>G (NM_001413028.1); c.-1066A>G (NM_001413030.1, NM_001413031.1, NM_001413041.1); c.-908A>G (NM_001413034.1); c.-909A>G (NM_001413040.1); c.-1273A>G (NM_001413043.1); and 5 more.
Identifiers: ClinVar variation 3001241 (VCV003001241.3), dbSNP rs1008911481, ClinGen allele CA2689129818.

ClinVar aggregate classification (germline): Uncertain significance (1 of 4 stars; one submission).

Conditions:
Baller-Gerold syndrome (BGS). Also called: CRANIOSYNOSTOSIS WITH RADIAL DEFECTS. Identifiers: Orphanet 1225, MedGen C0265308, MONDO:0009039, OMIM 218600.

gnomAD v4.1: 1 of 1,475,370 alleles (0.000068%); highest among the groups gnomAD compares: Non-Finnish European, 0.000089%; no homozygotes.

Submission:

Labcorp Genetics (formerly Invitae), Labcorp
Classification: Uncertain significance for Baller-Gerold syndrome. Last evaluated: 2022-10-31. Review status: criteria provided, single submitter. Criteria: Invitae Variant Classification Sherloc (09022015). Collection method: clinical testing. Allele origin: germline.
Comment: This sequence change falls in intron 1 of the RECQL4 gene. It does not directly change the encoded amino acid sequence of the RECQL4 protein. This variant is not present in population databases (gnomAD no frequency). This variant has not been reported in the literature in individuals affected with RECQL4-related conditions. Algorithms developed to predict the effect of sequence changes on RNA splicing suggest that this variant may disrupt the consensus splice site. In summary, the available evidence is currently insufficient to determine the role of this variant in disease. Therefore, it has been classified as a Variant of Uncertain Significance.